The following is an entry in ClinVar:

ClinVar aggregate classification (germline): Uncertain significance (1 of 4 stars; one submission).

Conditions:
Biotin-responsive basal ganglia disease (BTBGD). Also called: Thiamine metabolism dysfunction syndrome 2 (biotin- or thiamine-responsive encephalopathy type 2); thiamine-responsive encephalopathy; THIAMINE METABOLISM DYSFUNCTION SYNDROME 2 (BIOTIN- AND THIAMINE-RESPONSIVE TYPE); Thiamine metabolism dysfunction syndrome type 2; Thiamine Transporter-2 Deficiency. Identifiers: Orphanet 199348, Orphanet 65284, MedGen C1843807, MONDO:0011841, OMIM 607483.

Allele frequency attached by ClinVar (database versions not stated): ExAC 0.00001; gnomAD exomes 0.00001.

Submission:

Labcorp Genetics (formerly Invitae), Labcorp
Classification: Uncertain significance for Biotin-responsive basal ganglia disease. Last evaluated: 2022-01-13. Review status: criteria provided, single submitter. Criteria: Invitae Variant Classification Sherloc (09022015). Collection method: clinical testing. Allele origin: germline.
Comment: This sequence change replaces alanine, which is neutral and non-polar, with serine, which is neutral and polar, at codon 395 of the SLC19A3 protein (p.Ala395Ser). This variant is present in population databases (rs747446540, gnomAD no frequency). This variant has not been reported in the literature in individuals affected with SLC19A3-related conditions. ClinVar contains an entry for this variant (Variation ID: 1035740). Advanced modeling of protein sequence and biophysical properties (such as structural, functional, and spatial information, amino acid conservation, physicochemical variation, residue mobility, and thermodynamic stability) performed at Invitae indicates that this missense variant is expected to disrupt SLC19A3 protein function. In summary, the available evidence is currently insufficient to determine the role of this variant in disease. Therefore, it has been classified as a Variant of Uncertain Significance.

NM_025243.4(SLC19A3):c.1183G>T (p.Ala395Ser)

Gene: SLC19A3 (solute carrier family 19 member 3; minus strand). Cytogenetic location: 2q36.3.
Variant type: single nucleotide variant.
Coding change: c.1183G>T on transcript NM_025243.4 (MANE Select); coding-DNA position 1183, G replaced by T.
Protein change: p.Ala395Ser; replaces alanine 395 with serine.
Molecular consequence: missense variant.
Genome position (GRCh38, 1-based): chr2:227,688,297, C>A on the plus strand (G>T on the coding strand, the complement: SLC19A3 is on the minus strand). VCF-style: chr2-227688297-C-A. GRCh37 (hg19) VCF-style: chr2-228553013-C-A.
Other names: c.1183G>T, p.Ala395Ser (NM_001371411.1, NM_001371412.1); c.1171G>T, p.Ala391Ser (NM_001371413.1, NM_001371414.1); short protein forms A395S, A391S.
Identifiers: ClinVar variation 1035740 (VCV001035740.6), dbSNP rs747446540, ClinGen allele CA2149130.